The following is an entry in ClinVar:

ClinVar aggregate classification (germline): Pathogenic. Review status: criteria provided, multiple submitters, no conflicts (2 of 4 stars). 2 submissions from 2 submitters: Pathogenic (2). Last evaluated 2024-08-20.

Submissions (2):

Labcorp Genetics (formerly Invitae), Labcorp
Classification: Pathogenic. Last evaluated: 2024-08-20. Review status: criteria provided, single submitter. Criteria: Invitae Variant Classification Sherloc (09022015). Collection method: clinical testing. Allele origin: germline.
Comment: This sequence change creates a premature translational stop signal (p.Ile783Argfs*77) in the TECTA gene. It is expected to result in an absent or disrupted protein product. Loss-of-function variants in TECTA are known to be pathogenic (PMID: 11087000, 12746400, 17431902, 24130743). This variant is not present in population databases (gnomAD no frequency). This variant has not been reported in the literature in individuals affected with TECTA-related conditions. ClinVar contains an entry for this variant (Variation ID: 1323685). For these reasons, this variant has been classified as Pathogenic.

Revvity Omics, Revvity
Classification: Pathogenic. Last evaluated: 2020-01-01. Review status: criteria provided, single submitter. Criteria: ACMG Guidelines, 2015. Collection method: clinical testing. Allele origin: germline.

Literature cited by the submitters: PubMed 11087000 (cited by Labcorp Genetics (formerly Invitae), Labcorp); PubMed 12746400 (cited by Labcorp Genetics (formerly Invitae), Labcorp); PubMed 17431902 (cited by Labcorp Genetics (formerly Invitae), Labcorp); PubMed 24130743 (cited by Labcorp Genetics (formerly Invitae), Labcorp).

NM_005422.4(TECTA):c.2342_2345dup (p.Ile783fs)

Genes: TBCEL-TECTA (TBCEL-TECTA readthrough; plus strand), TECTA (tectorin alpha; plus strand). Cytogenetic location: 11q23.3.
Variant type: Duplication.
Coding change: c.2342_2345dup on transcript NM_005422.4 (MANE Select); coding-DNA positions 2342 to 2345, 4 bases duplicated (GAGG; older notation c.2342_2345dupGAGG).
Protein change: p.Ile783fs; shifts the reading frame from isoleucine 783.
Molecular consequence: frameshift variant.
Genome position (GRCh38, 1-based): chr11:121,128,319-121,128,322, GAGG duplicated; duplicating any 4 consecutive bases within chr11:121,128,318-121,128,322 gives the same sequence; the c. name uses the placement nearest the transcript's 3' end. VCF-style (leftmost placement, unchanged base first): chr11-121128317-A-AGGAG. GRCh37 (hg19) VCF-style: chr11-120999026-A-AGGAG.
Other names: c.3299_3302dup, p.Ile1102fs (NM_001378761.1); short protein forms I1102fs, I783fs.
Identifiers: ClinVar variation 1323685 (VCV001323685.6), dbSNP rs2135082088, ClinGen allele CA2573053448.